The following is an entry in ClinVar:

NM_001134363.3(RBM20):c.56C>G (p.Pro19Arg)

Gene: RBM20 (RNA binding motif protein 20; plus strand). Cytogenetic location: 10q25.2.
Variant type: single nucleotide variant.
Coding change: c.56C>G on transcript NM_001134363.3 (MANE Select); coding-DNA position 56, C replaced by G.
Protein change: p.Pro19Arg; replaces proline 19 with arginine.
Molecular consequence: missense variant.
Genome position (GRCh38, 1-based): chr10:110,644,510, C>G. VCF-style: chr10-110644510-C-G. GRCh37 (hg19) VCF-style: chr10-112404268-C-G.
Other names: short protein forms P19R.
Identifiers: ClinVar variation 179289 (VCV000179289.5), dbSNP rs727504766, ClinGen allele CA184130.
Genomic context (GRCh38, chr10:110,644,510, plus strand): 5'-CCCGCATGGTGCTGGCAGCAGCCATGAGCCAGGACGCGGACCCCAGCGGTCCGGAGCAGC[C>G]GGACAGAGTTGCCTGCAGTGTGCCTGGTGCCCGGGCGTCCCCGGCACCCTCCGGCCCGCG-3'
Protein context (NP_001127835.2, residues 9-29): QDADPSGPEQ[Pro19Arg]DRVACSVPGA

ClinVar aggregate classification (germline): Uncertain significance (1 of 4 stars; one submission).

gnomAD v4.1: 2 of 1,527,048 alleles (0.00013%); highest among the groups gnomAD compares: Non-Finnish European, 0.00018%; no homozygotes.

Submission:

Laboratory for Molecular Medicine, Mass General Brigham Personalized Medicine
Classification: Uncertain significance. Last evaluated: 2013-11-12. Review status: criteria provided, single submitter. Criteria: LMM Criteria. Collection method: clinical testing. Allele origin: germline. Observed: 1 variant allele.
Comment: The Pro19Arg variant in RBM20 has not been previously reported in individuals wi th cardiomyopathy and data from large population studies is insufficient to asse ss the frequency of this variant. Computational analyses (biochemical amino acid properties, conservation, AlignGVGD, PolyPhen2, and SIFT) do not provide strong support for or against an impact to the protein. Additional information is need ed to fully assess the clinical significance of the Pro19Arg variant.